The following is an entry in ClinVar:

ClinVar aggregate classification (germline): Uncertain significance (1 of 4 stars; one submission).

Submission:

GeneDx
Classification: Uncertain significance. Last evaluated: 2025-12-15. Review status: criteria provided, single submitter. Criteria: GeneDx Variant Classification Process June 2021. Collection method: clinical testing. Allele origin: germline.
Comment: Not observed at significant frequency in large population cohorts (gnomAD); In silico analysis indicates that this missense variant does not alter protein structure/function; Has not been previously published as pathogenic or benign to our knowledge

NM_014927.5(CNKSR2):c.115A>G (p.Ile39Val)

Gene: CNKSR2 (connector enhancer of kinase suppressor of Ras 2; plus strand). Cytogenetic location: Xp22.12.
Variant type: single nucleotide variant.
Coding change: c.115A>G on transcript NM_014927.5 (MANE Select); coding-DNA position 115, A replaced by G.
Protein change: p.Ile39Val; replaces isoleucine 39 with valine.
Molecular consequence: missense variant.
Genome position (GRCh38, 1-based): chrX:21,426,547, A>G. VCF-style: chrX-21426547-A-G. GRCh37 (hg19) VCF-style: chrX-21444665-A-G.
Other names: c.115A>G, p.Ile39Val (NM_001168647.3, NM_001168648.3, NM_001168649.3 and 4 more transcripts); short protein forms I39V.
Identifiers: ClinVar variation 4527538 (VCV004527538.2).